The following is an entry in ClinVar:

NM_001004356.3(FGFRL1):c.1225G>A (p.Ala409Thr)

Gene: FGFRL1 (fibroblast growth factor receptor like 1; plus strand). Cytogenetic location: 4p16.3.
Variant type: single nucleotide variant.
Coding change: c.1225G>A on transcript NM_001004356.3 (MANE Select); coding-DNA position 1225, G replaced by A.
Protein change: p.Ala409Thr; replaces alanine 409 with threonine.
Molecular consequence: missense variant.
Genome position (GRCh38, 1-based): chr4:1,025,057, G>A. VCF-style: chr4-1025057-G-A. GRCh37 (hg19) VCF-style: chr4-1018845-G-A.
Other names: c.1225G>A, p.Ala409Thr (NM_001004358.1, NM_001370296.1, NM_021923.3); short protein forms A409T.
Identifiers: ClinVar variation 3003697 (VCV003003697.3), dbSNP rs373506035, ClinGen allele CA2803033.
Genomic context (GRCh38, chr4:1,025,057, plus strand): 5'-TTCATCCTGGGCACCCTGCTCCTGTGGCTTTGCCAGGCCCAGAAGAAGCCGTGCACCCCC[G>A]CGCCTGCCCCTCCCCTGCCTGGGCACCGCCCGCCGGGGACGGCCCGCGACCGCAGCGGAG-3'
Protein context (NP_001004356.1, residues 399-419): CQAQKKPCTP[Ala409Thr]PAPPLPGHRP

ClinVar aggregate classification (germline): Uncertain significance (1 of 4 stars; one submission).

Allele frequency attached by ClinVar (database versions not stated): gnomAD 0.00003; gnomAD exomes 0.00003; TOPMed 0.00003; ExAC 0.00006; ESP Exome Variant Server 0.00008.
gnomAD v4.1: 47 of 1,609,522 alleles (0.0029%); highest among the groups gnomAD compares: African/African-American, 0.0053%; no homozygotes.

Submission:

Labcorp Genetics (formerly Invitae), Labcorp
Classification: Uncertain significance. Last evaluated: 2022-11-08. Review status: criteria provided, single submitter. Criteria: Invitae Variant Classification Sherloc (09022015). Collection method: clinical testing. Allele origin: germline.
Comment: This sequence change replaces alanine, which is neutral and non-polar, with threonine, which is neutral and polar, at codon 409 of the FGFRL1 protein (p.Ala409Thr). This variant is present in population databases (rs373506035, gnomAD 0.01%). This variant has not been reported in the literature in individuals affected with FGFRL1-related conditions. In summary, the available evidence is currently insufficient to determine the role of this variant in disease. Therefore, it has been classified as a Variant of Uncertain Significance. Algorithms developed to predict the effect of missense changes on protein structure and function output the following: SIFT: "Tolerated"; PolyPhen-2: "Benign"; Align-GVGD: "Class C0". The threonine amino acid residue is found in multiple mammalian species, which suggests that this missense change does not adversely affect protein function.